The following is an entry in ClinVar:

ClinVar aggregate classification (germline): Uncertain significance (1 of 4 stars; one submission).

gnomAD v4.1: 1 of 1,613,370 alleles (0.000062%); no homozygotes.

Submission:

Labcorp Genetics (formerly Invitae), Labcorp
Classification: Uncertain significance. Last evaluated: 2022-07-25. Review status: criteria provided, single submitter. Criteria: Invitae Variant Classification Sherloc (09022015). Collection method: clinical testing. Allele origin: germline.
Comment: This sequence change replaces arginine, which is basic and polar, with lysine, which is basic and polar, at codon 1686 of the ASH1L protein (p.Arg1686Lys). This variant is not present in population databases (gnomAD no frequency). In summary, the available evidence is currently insufficient to determine the role of this variant in disease. Therefore, it has been classified as a Variant of Uncertain Significance. Algorithms developed to predict the effect of missense changes on protein structure and function are either unavailable or do not agree on the potential impact of this missense change (SIFT: "Tolerated"; PolyPhen-2: "Possibly Damaging"; Align-GVGD: "Class C0"). This variant has not been reported in the literature in individuals affected with ASH1L-related conditions.

NM_018489.3(ASH1L):c.5057G>A (p.Arg1686Lys)

Gene: ASH1L (ASH1 like histone lysine methyltransferase; minus strand). Cytogenetic location: 1q22.
Variant type: single nucleotide variant.
Coding change: c.5057G>A on transcript NM_018489.3 (MANE Select); coding-DNA position 5057, G replaced by A.
Protein change: p.Arg1686Lys; replaces arginine 1686 with lysine.
Molecular consequence: missense variant.
Genome position (GRCh38, 1-based): chr1:155,459,826, C>T on the plus strand (G>A on the coding strand, the complement: ASH1L is on the minus strand). VCF-style: chr1-155459826-C-T. GRCh37 (hg19) VCF-style: chr1-155429617-C-T.
Other names: c.5057G>A, p.Arg1686Lys (NM_001366177.2); short protein forms R1686K.
Identifiers: ClinVar variation 2421903 (VCV002421903.5), dbSNP rs2526997001, ClinGen allele CA342688485.